The following is an entry in ClinVar:

ClinVar aggregate classification (germline): Uncertain significance. Review status: criteria provided, multiple submitters, no conflicts (2 of 4 stars). 2 submissions from 2 submitters: Uncertain significance (2). Last evaluated 2024-04-10.

Conditions:
Senior-Loken syndrome 4 (SLSN4). Identifiers: Orphanet 3156, MedGen C1846979, MONDO:0011756, OMIM 606996.
Nephronophthisis 4 (NPHP4). Also called: NEPHRONOPHTHISIS 4, JUVENILE. Identifiers: Orphanet 655, MedGen C1847013, MONDO:0011752, OMIM 606966.
Nephronophthisis. Also called: Juvenile Nephronophthisis. Identifiers: Orphanet 655, MedGen C0687120, MONDO:0019005, HP:0000090.

Allele frequency attached by ClinVar (database versions not stated): ExAC 0.00002; gnomAD exomes 0.00002; TOPMed 0.00002.
gnomAD v4.1: 24 of 1,596,314 alleles (0.0015%); highest among the groups gnomAD compares: Non-Finnish European, 0.002%; no homozygotes.

Submissions (2):

Fulgent Genetics
Classification: Uncertain significance for Nephronophthisis 4; Senior-Loken syndrome 4. Last evaluated: 2024-04-10. Review status: criteria provided, single submitter. Criteria: ACMG Guidelines, 2015. Collection method: clinical testing. Allele origin: germline.

Labcorp Genetics (formerly Invitae), Labcorp
Classification: Uncertain significance for Nephronophthisis. Last evaluated: 2020-01-10. Review status: criteria provided, single submitter. Criteria: Invitae Variant Classification Sherloc (09022015). Collection method: clinical testing. Allele origin: germline.
Comment: In summary, the available evidence is currently insufficient to determine the role of this variant in disease. Therefore, it has been classified as a Variant of Uncertain Significance. Algorithms developed to predict the effect of missense changes on protein structure and function are either unavailable or do not agree on the potential impact of this missense change (SIFT: "Deleterious"; PolyPhen-2: "Possibly Damaging"; Align-GVGD: "Class C0"). This variant has not been reported in the literature in individuals with NPHP4-related conditions. This variant is present in population databases (rs753652250, ExAC 0.003%). This sequence change replaces isoleucine with asparagine at codon 282 of the NPHP4 protein (p.Ile282Asn). The isoleucine residue is moderately conserved and there is a large physicochemical difference between isoleucine and asparagine.

NM_015102.5(NPHP4):c.845T>A (p.Ile282Asn)

Gene: NPHP4 (nephrocystin 4; minus strand). Cytogenetic location: 1p36.31.
Variant type: single nucleotide variant.
Coding change: c.845T>A on transcript NM_015102.5 (MANE Select); coding-DNA position 845, T replaced by A.
Protein change: p.Ile282Asn; replaces isoleucine 282 with asparagine.
Molecular consequence: missense variant. On other transcripts: 5 prime UTR variant (2), non-coding transcript variant (1).
Genome position (GRCh38, 1-based): chr1:5,948,217, A>T on the plus strand (T>A on the coding strand, the complement: NPHP4 is on the minus strand). VCF-style: chr1-5948217-A-T. GRCh37 (hg19) VCF-style: chr1-6008277-A-T.
Other names: c.-522T>A (NM_001291593.2, NM_001291594.2); short protein forms I282N.
Identifiers: ClinVar variation 939643 (VCV000939643.11), dbSNP rs753652250, ClinGen allele CA554722.
Genomic context (GRCh38, chr1:5,948,217, plus strand): 5'-TGCGGCCTCTGCACGAAGCCCAGACCATTGTGCACGCCCACACGCAGGCGCCGCTCCAGG[A>T]TCTCCAGGGCACCACCGTCCAGTGGGCCACATCCCTGGAAGAGGCACAGAAGGAATGAGC-3'
Protein context (NP_055917.1, residues 272-292): CGPLDGGALE[Ile282Asn]LERRLRVGVH